The following is an entry in ClinVar:

NM_000057.4(BLM):c.1328C>T (p.Ser443Phe)

Gene: BLM (BLM RecQ like helicase; plus strand). Cytogenetic location: 15q26.1.
Variant type: single nucleotide variant.
Coding change: c.1328C>T on transcript NM_000057.4 (MANE Select); coding-DNA position 1328, C replaced by T.
Protein change: p.Ser443Phe; replaces serine 443 with phenylalanine.
Molecular consequence: missense variant.
Genome position (GRCh38, 1-based): chr15:90,760,701, C>T. VCF-style: chr15-90760701-C-T. GRCh37 (hg19) VCF-style: chr15-91303931-C-T.
Other names: c.1328C>T, p.Ser443Phe (NM_001287246.2, NM_001287247.2); c.203C>T, p.Ser68Phe (NM_001287248.2); short protein forms S443F, S68F.
Identifiers: ClinVar variation 1770054 (VCV001770054.4), dbSNP rs1009271024, ClinGen allele CA393842825.

ClinVar aggregate classification (germline): Uncertain significance (1 of 4 stars; one submission).

Conditions:
Hereditary cancer-predisposing syndrome. Also called: Hereditary Cancer Syndrome; Hereditary neoplastic syndrome; Neoplastic Syndromes, Hereditary; Tumor predisposition. Identifiers: Orphanet 140162, MedGen C0027672, MeSH D009386, MONDO:0015356.

Submission:

Ambry Genetics
Classification: Uncertain significance for Hereditary cancer-predisposing syndrome. Last evaluated: 2025-03-26. Review status: criteria provided, single submitter. Criteria: Ambry Variant Classification Scheme 2023. Collection method: clinical testing. Allele origin: germline.
Comment: The p.S443F variant (also known as c.1328C>T), located in coding exon 6 of the BLM gene, results from a C to T substitution at nucleotide position 1328. The serine at codon 443 is replaced by phenylalanine, an amino acid with highly dissimilar properties. This amino acid position is conserved. In addition, this alteration is predicted to be tolerated by in silico analysis. Since supporting evidence is limited at this time, the clinical significance of this alteration remains unclear.